The following is an entry in ClinVar:

NM_020778.5(ALPK3):c.3370C>T (p.Pro1124Ser)

Gene: ALPK3 (alpha kinase 3; plus strand). Cytogenetic location: 15q25.3.
Variant type: single nucleotide variant.
Coding change: c.3370C>T on transcript NM_020778.5 (MANE Select); coding-DNA position 3370, C replaced by T.
Protein change: p.Pro1124Ser; replaces proline 1124 with serine.
Molecular consequence: missense variant.
Genome position (GRCh38, 1-based): chr15:84,858,108, C>T. VCF-style: chr15-84858108-C-T. GRCh37 (hg19) VCF-style: chr15-85401339-C-T.
Other names: short protein forms P1124S.
Identifiers: ClinVar variation 1736651 (VCV001736651.2), dbSNP rs2505721885, ClinGen allele CA393360129.

ClinVar aggregate classification (germline): Uncertain significance (1 of 4 stars; one submission).

Conditions:
Cardiovascular phenotype. Identifiers: MedGen CN230736.

Submission:

Ambry Genetics
Classification: Uncertain significance for Cardiovascular phenotype. Last evaluated: 2022-07-17. Review status: criteria provided, single submitter. Criteria: Ambry Variant Classification Scheme 2023. Collection method: clinical testing. Allele origin: germline.
Comment: The p.P1326S variant (also known as c.3976C>T), located in coding exon 6 of the ALPK3 gene, results from a C to T substitution at nucleotide position 3976. The proline at codon 1326 is replaced by serine, an amino acid with similar properties. This amino acid position is conserved. In addition, this alteration is predicted to be tolerated by in silico analysis. Since supporting evidence is limited at this time, the clinical significance of this alteration remains unclear.